The following is an entry in ClinVar:

ClinVar aggregate classification (germline): Pathogenic (1 of 4 stars; one submission).

Allele frequency attached by ClinVar (database versions not stated): ExAC 0.00002.
gnomAD v4.1: 11 of 1,613,754 alleles (0.00068%); highest among the groups gnomAD compares: African/African-American, 0.0013%; no homozygotes.

Submission:

Labcorp Genetics (formerly Invitae), Labcorp
Classification: Pathogenic. Last evaluated: 2025-04-27. Review status: criteria provided, single submitter. Criteria: Invitae Variant Classification Sherloc (09022015). Collection method: clinical testing. Allele origin: germline.
Comment: This sequence change creates a premature translational stop signal (p.Arg1846*) in the ATR gene. It is expected to result in an absent or disrupted protein product. Loss-of-function variants in ATR are known to be pathogenic (PMID: 21228398, 23144622). This variant is present in population databases (rs754030624, gnomAD 0.01%). This premature translational stop signal has been observed in individual(s) with breast cancer (PMID: 26689913). ClinVar contains an entry for this variant (Variation ID: 2709118). For these reasons, this variant has been classified as Pathogenic.

Literature cited by the submitters: PubMed 21228398; PubMed 23144622; PubMed 26689913.

NM_001184.4(ATR):c.5536C>T (p.Arg1846Ter)

Gene: ATR (ATR checkpoint kinase; minus strand). Cytogenetic location: 3q23.
Variant type: single nucleotide variant.
Coding change: c.5536C>T on transcript NM_001184.4 (MANE Select); coding-DNA position 5536, C replaced by T.
Protein change: p.Arg1846Ter; replaces arginine 1846 with a stop codon.
Molecular consequence: nonsense.
Genome position (GRCh38, 1-based): chr3:142,498,619, G>A on the plus strand (C>T on the coding strand, the complement: ATR is on the minus strand). VCF-style: chr3-142498619-G-A. GRCh37 (hg19) VCF-style: chr3-142217461-G-A.
Other names: c.5344C>T, p.Arg1782Ter (NM_001354579.2); short protein forms R1782*, R1846*.
Identifiers: ClinVar variation 2709118 (VCV002709118.3), dbSNP rs754030624, ClinGen allele CA2649602.
Genomic context (GRCh38, chr3:142,498,619, plus strand): 5'-TATAGGCCAGAAATATAAAAATGGAAATTCCAAAATACCTCACAATATATTCATATCCTC[G>A]TTGGTAGGAGCCTCTTTCAAAGCTTGCAGCTGAAAGAGGTACAATTTGTTCTGCTCTCAC-3'